The following is an entry in ClinVar:

NM_001126108.2(SLC12A3):c.2856G>A (p.Lys952=)

Gene: SLC12A3 (solute carrier family 12 member 3; plus strand). Cytogenetic location: 16q13.
Variant type: single nucleotide variant.
Coding change: c.2856G>A on transcript NM_001126108.2 (MANE Select); coding-DNA position 2856, G replaced by A.
Protein change: p.Lys952=; no amino-acid change (lysine 952 retained).
Molecular consequence: synonymous variant.
Genome position (GRCh38, 1-based): chr16:56,902,508, G>A. VCF-style: chr16-56902508-G-A. GRCh37 (hg19) VCF-style: chr16-56936420-G-A.
Other names: c.2883G>A, p.Lys961= (NM_000339.3); c.2880G>A, p.Lys960= (NM_001126107.2).
Identifiers: ClinVar variation 1684165 (VCV001684165.1), dbSNP rs2144767166, ClinGen allele CA495613412.
Genomic context (GRCh38, chr16:56,902,508, plus strand): 5'-GATGCGGCGGGACTGCCCCTGGAAGATCTCAGATGAGGAGATTACGAAGAACAGAGTCAA[G>A]GTGCAGAGAGGGGTGGGGGTGGGAAACGCGACACATCACTGGGTCAGGGACGGGTGTCCT-3'
Protein context (NP_001119580.2, residues 942-962): SDEEITKNRV[Lys952=]SLRQVRLNEI

ClinVar aggregate classification (germline): Likely pathogenic (1 of 4 stars; one submission).

Conditions:
Familial hypokalemia-hypomagnesemia (GTLMNS). Also called: gitelman syndrome; HYPOMAGNESEMIA-HYPOKALEMIA, PRIMARY RENOTUBULAR, WITH HYPOCALCIURIA; POTASSIUM AND MAGNESIUM DEPLETION. Identifiers: Orphanet 358, MedGen C0268450, MONDO:0009904, OMIM 263800.

Submission:

European Hospital Georges Pompidou Genetics Department, Assistance Publique - Hôpitaux de Paris AP-HP
Classification: Likely pathogenic for Familial hypokalemia-hypomagnesemia. Last evaluated: 2022-04-27. Review status: criteria provided, single submitter. Criteria: ACMG Guidelines, 2015. Collection method: clinical testing. Allele origin: germline. Affected: yes.
Comment: ACMG criteria used:PM1, PM2, PM3, PP3, PP5